The following is an entry in ClinVar:

ClinVar aggregate classification (germline): Pathogenic (1 of 4 stars; one submission).

Conditions:
Neurofibromatosis, type 1 (NF1). Also called: VON RECKLINGHAUSEN DISEASE; Neurofibromatosis, type I; Peripheral type neurofibromatosis; NEUROFIBROMATOSIS, TYPE I, SOMATIC. Identifiers: Orphanet 636, MedGen C0027831, MONDO:0018975, OMIM 162200. Disease mechanism: loss of function.

Submission:

Labcorp Genetics (formerly Invitae), Labcorp
Classification: Pathogenic for Neurofibromatosis, type 1. Last evaluated: 2023-11-11. Review status: criteria provided, single submitter. Criteria: Invitae Variant Classification Sherloc (09022015). Collection method: clinical testing. Allele origin: unknown.
Comment: This variant is a gross deletion of the genomic region encompassing exon(s) 6-7 of the NF1 gene. This variant would be expected to be in-frame, preserving the integrity of the reading frame. This variant has not been reported in the literature in individuals affected with NF1-related conditions. This variant disrupts a region of the NF1 protein in which other variant(s) (p.Leu216Pro) have been determined to be pathogenic (PMID: 10712197, 17726231, 27617404; Invitae). This suggests that this is a clinically significant region of the protein, and that variants that disrupt it are likely to be disease-causing. For these reasons, this variant has been classified as Pathogenic.

Literature cited by the submitters: PubMed 10712197; PubMed 17726231; PubMed 27617404.

NC_000017.10:g.(?_29508426)_(29508813_?)del

Gene: NF1 (neurofibromin 1; plus strand). Cytogenetic location: 17q11.2.
Variant type: Deletion.
Identifiers: ClinVar variation 3242883 (VCV003242883.1).